The following is an entry in ClinVar:

Conditions:
Long QT syndrome 5 (LQT5). Identifiers: Orphanet 101016, Orphanet 768, MedGen C1867904, MONDO:0013372, OMIM 613695.

Submission:

Roden Lab, Vanderbilt University Medical Center
No classification provided (evidence only). Condition: Long QT syndrome 5. Review status: no classification provided. Collection method: in vitro. Allele origin: not applicable. Functional consequence: Effect on ion channel function.
ClinVar note: "not provided" was previously submitted as the classification for the variant. However, the classification appeared to be based only on an observation of functional data so it was converted to no classification on 2025-07-30.

NM_000219.6(KCNE1):c.235A>T (p.Asn79Tyr)

Gene: KCNE1 (potassium voltage-gated channel subfamily E regulatory subunit 1; minus strand). Cytogenetic location: 21q22.12.
Variant type: single nucleotide variant.
Coding change: c.235A>T on transcript NM_000219.6 (MANE Select); coding-DNA position 235, A replaced by T.
Protein change: p.Asn79Tyr; replaces asparagine 79 with tyrosine.
Molecular consequence: missense variant.
Genome position (GRCh38, 1-based): chr21:34,449,400, T>A on the plus strand (A>T on the coding strand, the complement: KCNE1 is on the minus strand). VCF-style: chr21-34449400-T-A. GRCh37 (hg19) VCF-style: chr21-35821698-T-A.
Other names: c.235A>T, p.Asn79Tyr (NM_001127668.4, NM_001127669.4, NM_001127670.4 and 4 more transcripts); short protein forms N79Y.
Identifiers: ClinVar variation 3374401 (VCV003374401.2).
Genomic context (GRCh38, chr21:34,449,400, plus strand): 5'-CCCGGGCCTGGACATAGGCCTTGTCCTTCTCTTGCCAGGCATCGGACTCGATGTAGACGT[T>A]GAATGGGTCGTTCGAGTGCTCCAGCTTCTTGGAGCGGATGTAGCTCAGCATGATGCCCAG-3'
Protein context (NP_000210.2, residues 69-89): KKLEHSNDPF[Asn79Tyr]VYIESDAWQE